The following is an entry in ClinVar:

ClinVar aggregate classification (germline): Likely benign. Review status: criteria provided, single submitter (1 of 4 stars). 2 submissions from 2 submitters: Likely benign (1). 1 of the submissions does not count toward it. Last evaluated 2019-09-09.

Conditions:
ALPK2-related disorder. Also called: ALPK2-related condition.

Allele frequency attached by ClinVar (database versions not stated): gnomAD exomes below 0.00001; TOPMed below 0.00001; gnomAD 0.00002.
gnomAD v4.1: 6 of 1,614,090 alleles (0.00037%); highest among the groups gnomAD compares: African/African-American, 0.008%; no homozygotes.

Submissions (2):

Ambry Genetics
Classification: Likely benign. Last evaluated: 2019-09-09. Review status: criteria provided, single submitter. Criteria: Ambry Variant Classification Scheme 2023. Collection method: clinical testing. Allele origin: germline.

PreventionGenetics, part of Exact Sciences
Classification: Likely benign for ALPK2-related condition. Last evaluated: 2019-06-20. Review status: no assertion criteria provided. Collection method: clinical testing. Allele origin: germline. Not counted in ClinVar's aggregate classification.
Comment: This variant is classified as likely benign based on ACMG/AMP sequence variant interpretation guidelines (Richards et al. 2015 PMID: 25741868, with internal and published modifications).

NM_052947.4(ALPK2):c.6156A>G (p.Arg2052=)

Gene: ALPK2 (alpha kinase 2; minus strand). Cytogenetic location: 18q21.31.
Variant type: single nucleotide variant.
Coding change: c.6156A>G on transcript NM_052947.4 (MANE Select); coding-DNA position 6156, A replaced by G.
Protein change: p.Arg2052=; no amino-acid change (arginine 2052 retained).
Molecular consequence: synonymous variant.
Genome position (GRCh38, 1-based): chr18:58,504,022, T>C on the plus strand (A>G on the coding strand, the complement: ALPK2 is on the minus strand). VCF-style: chr18-58504022-T-C. GRCh37 (hg19) VCF-style: chr18-56171254-T-C.
Identifiers: ClinVar variation 1751904 (VCV001751904.4), dbSNP rs1420110099, ClinGen allele CA504022846.
Genomic context (GRCh38, chr18:58,504,022, plus strand): 5'-TGTTTTCTGGTACACCCAGTGCTGGAAGGTGCAACATTTCTGACCAGCTTCTGATTCTCT[T>C]CTCAAGAAGTTTATTTCTTTCCCATCCCTGATGGAATACTTCACAAATTCTCCAATCAGC-3'
Protein context (NP_443179.3, residues 2042-2062): IRDGKEINFL[Arg2052=]RESEAGQKCC